The following is an entry in ClinVar:

ClinVar aggregate classification (germline): Conflicting classifications of pathogenicity. Review status: criteria provided, conflicting classifications (1 of 4 stars). 3 submissions from 3 submitters: Uncertain significance (2); Likely benign (1). Last evaluated 2026-06-12.

Conditions:
Long QT syndrome (LQTS). Identifiers: MedGen C0023976, MeSH D008133, MONDO:0002442. Disease mechanism: loss of function. Inheritance: Various modes of inheritance.
Cardiovascular phenotype. Identifiers: MedGen CN230736.

Allele frequency attached by ClinVar (database versions not stated): gnomAD 0.00001; TOPMed 0.00002; ExAC 0.00003; gnomAD exomes 0.00003.
gnomAD v4.1: 11 of 1,613,376 alleles (0.00068%); highest among the groups gnomAD compares: Admixed American, 0.018%; no homozygotes.

Submissions (3):

Women's Health and Genetics/Laboratory Corporation of America, LabCorp
Classification: Uncertain significance. Last evaluated: 2026-06-12. Review status: criteria provided, single submitter. Criteria: LabCorp Variant Classification Summary - May 2015. Collection method: clinical testing. Allele origin: germline.

Labcorp Genetics (formerly Invitae), Labcorp
Classification: Uncertain significance for Long QT syndrome. Last evaluated: 2025-06-05. Review status: criteria provided, single submitter. Criteria: Invitae Variant Classification Sherloc (09022015). Collection method: clinical testing. Allele origin: germline.
Comment: This sequence change replaces histidine, which is basic and polar, with asparagine, which is neutral and polar, at codon 1165 of the AKAP9 protein (p.His1165Asn). This variant is present in population databases (rs553209225, gnomAD 0.02%). This variant has not been reported in the literature in individuals affected with AKAP9-related conditions. ClinVar contains an entry for this variant (Variation ID: 1397366). An algorithm developed to predict the effect of missense changes on protein structure and function (PolyPhen-2) suggests that this variant is likely to be tolerated. In summary, the available evidence is currently insufficient to determine the role of this variant in disease. Therefore, it has been classified as a Variant of Uncertain Significance.

Ambry Genetics
Classification: Likely benign for Cardiovascular phenotype. Last evaluated: 2024-09-11. Review status: criteria provided, single submitter. Criteria: Ambry Variant Classification Scheme 2023. Collection method: clinical testing. Allele origin: germline.

NM_005751.5(AKAP9):c.3493C>A (p.His1165Asn)

Gene: AKAP9 (A-kinase anchoring protein 9; plus strand). Cytogenetic location: 7q21.2.
Variant type: single nucleotide variant.
Coding change: c.3493C>A on transcript NM_005751.5 (MANE Select); coding-DNA position 3493, C replaced by A.
Protein change: p.His1165Asn; replaces histidine 1165 with asparagine.
Molecular consequence: missense variant.
Genome position (GRCh38, 1-based): chr7:92,012,603, C>A. VCF-style: chr7-92012603-C-A. GRCh37 (hg19) VCF-style: chr7-91641917-C-A.
Other names: c.3493C>A (NM_005751.4); c.3493C>A, p.His1165Asn (NM_147185.3); short protein forms H1165N.
Identifiers: ClinVar variation 1397366 (VCV001397366.11), dbSNP rs553209225, ClinGen allele CA4336316.